The following is an entry in ClinVar:

ClinVar aggregate classification (germline): Likely benign. Review status: criteria provided, multiple submitters, no conflicts (2 of 4 stars). 3 submissions from 3 submitters: Likely benign (2). 1 of the submissions does not count toward it. Last evaluated 2026-01-28.

Conditions:
Vici syndrome (VICIS). Identifiers: Orphanet 1493, MedGen C1855772, MONDO:0009452, OMIM 242840.
EPG5-related disorder. Also called: EPG5-related condition. Identifiers: MedGen CN381528.

Allele frequency attached by ClinVar (database versions not stated): ESP Exome Variant Server 0.00066; gnomAD exomes 0.00066 and 0.00080; ExAC 0.00071; gnomAD 0.00076 and 0.00081; TOPMed 0.00099; 1000 Genomes Project 30x 0.00172; 1000 Genomes Project 0.00180.
gnomAD v4.1: 1,113 of 1,614,068 alleles (0.069%); highest among the groups gnomAD compares: Middle Eastern, 0.21%; 3 homozygotes.

Submissions (3):

Labcorp Genetics (formerly Invitae), Labcorp
Classification: Likely benign for Vici syndrome. Last evaluated: 2026-01-28. Review status: criteria provided, single submitter. Criteria: Invitae Variant Classification Sherloc (09022015). Collection method: clinical testing. Allele origin: germline.

Blueprint Genetics
Classification: Likely benign. Last evaluated: 2024-11-28. Review status: criteria provided, single submitter. Criteria: ACMG Guidelines, 2015. Collection method: clinical testing. Allele origin: germline.

PreventionGenetics, part of Exact Sciences
Classification: Likely benign for EPG5-related condition. Last evaluated: 2024-03-27. Review status: no assertion criteria provided. Collection method: clinical testing. Allele origin: germline. Not counted in ClinVar's aggregate classification.
Comment: This variant is classified as likely benign based on ACMG/AMP sequence variant interpretation guidelines (Richards et al. 2015 PMID: 25741868, with internal and published modifications).

NM_020964.3(EPG5):c.4502G>A (p.Arg1501Gln)

Gene: EPG5 (ectopic P-granules 5 autophagy tethering factor; minus strand). Cytogenetic location: 18q21.1.
Variant type: single nucleotide variant.
Coding change: c.4502G>A on transcript NM_020964.3 (MANE Select); coding-DNA position 4502, G replaced by A.
Protein change: p.Arg1501Gln; replaces arginine 1501 with glutamine.
Molecular consequence: missense variant.
Genome position (GRCh38, 1-based): chr18:45,901,140, C>T on the plus strand (G>A on the coding strand, the complement: EPG5 is on the minus strand). VCF-style: chr18-45901140-C-T. GRCh37 (hg19) VCF-style: chr18-43481105-C-T.
Other names: c.4502G>A, p.Arg1501Gln (LRG_1234t1); short protein forms R1501Q.
Identifiers: ClinVar variation 466250 (VCV000466250.15), dbSNP rs186784974, ClinGen allele CA8948837.